The following is an entry in ClinVar:

NM_003384.3(VRK1):c.127A>G (p.Ile43Val)

Gene: VRK1 (VRK serine/threonine kinase 1; plus strand). Cytogenetic location: 14q32.2.
Variant type: single nucleotide variant.
Coding change: c.127A>G on transcript NM_003384.3 (MANE Select); coding-DNA position 127, A replaced by G.
Protein change: p.Ile43Val; replaces isoleucine 43 with valine.
Molecular consequence: missense variant.
Genome position (GRCh38, 1-based): chr14:96,833,598, A>G. VCF-style: chr14-96833598-A-G. GRCh37 (hg19) VCF-style: chr14-97299935-A-G.
Other names: c.127A>G (NM_003384.2); short protein forms I43V.
Identifiers: ClinVar variation 1423397 (VCV001423397.7), dbSNP rs777420974, ClinGen allele CA7338853.

ClinVar aggregate classification (germline): Uncertain significance. Review status: criteria provided, multiple submitters, no conflicts (2 of 4 stars). 2 submissions from 2 submitters: Uncertain significance (2). Last evaluated 2022-12-14.

Conditions:
Pontocerebellar hypoplasia type 1A (PCH1A). Also called: PONTOCEREBELLAR HYPOPLASIA WITH ANTERIOR HORN CELL DISEASE; PONTOCEREBELLAR HYPOPLASIA WITH INFANTILE SPINAL MUSCULAR ATROPHY. Identifiers: Orphanet 2254, Orphanet 88616, MedGen C1843504, MONDO:0011866, OMIM 607596.
Inborn genetic diseases. Identifiers: MedGen C0950123, MeSH D030342.

Allele frequency attached by ClinVar (database versions not stated): gnomAD 0.00001; gnomAD exomes 0.00001; ExAC 0.00002; TOPMed 0.00002.
gnomAD v4.1: 11 of 1,613,630 alleles (0.00068%); highest among the groups gnomAD compares: Admixed American, 0.0017%; no homozygotes.

Submissions (2):

Ambry Genetics
Classification: Uncertain significance for Inborn genetic diseases. Last evaluated: 2022-12-14. Review status: criteria provided, single submitter. Criteria: Ambry Variant Classification Scheme 2023. Collection method: clinical testing. Allele origin: germline.

Labcorp Genetics (formerly Invitae), Labcorp
Classification: Uncertain significance for Pontocerebellar hypoplasia type 1A. Last evaluated: 2021-09-17. Review status: criteria provided, single submitter. Criteria: Invitae Variant Classification Sherloc (09022015). Collection method: clinical testing. Allele origin: germline.
Comment: This sequence change replaces isoleucine with valine at codon 43 of the VRK1 protein (p.Ile43Val). The isoleucine residue is moderately conserved and there is a small physicochemical difference between isoleucine and valine. This variant is present in population databases (rs777420974, ExAC 0.009%). This variant has not been reported in the literature in individuals with VRK1-related conditions. Algorithms developed to predict the effect of missense changes on protein structure and function output the following: SIFT: "Tolerated"; PolyPhen-2: "Benign"; Align-GVGD: "Class C0". The valine amino acid residue is found in multiple mammalian species, suggesting that this missense change does not adversely affect protein function. These predictions have not been confirmed by published functional studies and their clinical significance is uncertain. In summary, the available evidence is currently insufficient to determine the role of this variant in disease. Therefore, it has been classified as a Variant of Uncertain Significance.